The following is an entry in ClinVar:

ClinVar aggregate classification (germline): Pathogenic/Likely pathogenic. Review status: criteria provided, multiple submitters, no conflicts (2 of 4 stars). 4 submissions from 4 submitters: Pathogenic (2); Likely pathogenic (1). 1 of the submissions does not count toward it. Last evaluated 2026-01-05.

Conditions:
Familial thoracic aortic aneurysm and aortic dissection (TAAD). Also called: Thoracic aortic aneurysms and dissections. Identifiers: Orphanet 91387, MedGen C4707243, MONDO:0019625.
Arterial tortuosity syndrome (ATORS). Identifiers: Orphanet 3342, MedGen C1859726, MONDO:0008818, OMIM 208050.

Allele frequency attached by ClinVar (database versions not stated): ExAC 0.00001.
gnomAD v4.1: 3 of 1,614,146 alleles (0.00019%); highest among the groups gnomAD compares: Non-Finnish European, 0.00025%; no homozygotes.

Submissions (4):

Ambry Genetics
Classification: Pathogenic for Familial thoracic aortic aneurysm and aortic dissection. Last evaluated: 2026-01-05. Review status: criteria provided, single submitter. Criteria: Ambry Variant Classification Scheme 2023. Collection method: clinical testing. Allele origin: germline.
Comment: The p.Y139* pathogenic mutation (also known as c.417T>A), located in coding exon 2 of the SLC2A10 gene, results from a T to A substitution at nucleotide position 417. This changes the amino acid from a tyrosine to a stop codon within coding exon 2. This variant has been identified in conjunction with other SLC2A10 variant(s) in individual(s) with features consistent with arterial tortuosity syndrome; in at least one instance, the variants were identified in trans (Takahashi Y et al. Am J Med Genet A, 2013 Apr;161A:856-9; Esmel-Vilomara R et al. Eur J Med Genet, 2023 Sep;66:104823). This variant is considered to be rare based on population cohorts in the Genome Aggregation Database (gnomAD). This alteration is expected to result in loss of function by premature protein truncation or nonsense-mediated mRNA decay. As such, this alteration is interpreted as a disease-causing mutation.

Labcorp Genetics (formerly Invitae), Labcorp
Classification: Pathogenic for Arterial tortuosity syndrome. Last evaluated: 2024-04-09. Review status: criteria provided, single submitter. Criteria: Invitae Variant Classification Sherloc (09022015). Collection method: clinical testing. Allele origin: germline.
Comment: This sequence change creates a premature translational stop signal (p.Tyr139*) in the SLC2A10 gene. It is expected to result in an absent or disrupted protein product. Loss-of-function variants in SLC2A10 are known to be pathogenic (PMID: 17935213, 22488877, 23494979). This variant is present in population databases (rs572620317, gnomAD 0.002%). This premature translational stop signal has been observed in individual(s) with arterial tortuosity syndrome (PMID: 23494979). ClinVar contains an entry for this variant (Variation ID: 161095). For these reasons, this variant has been classified as Pathogenic.

Genetics Department, Hospital De La Santa Creu I Sant Pau
Classification: Likely pathogenic for Arterial tortuosity syndrome. Last evaluated: 2023-04-14. Review status: criteria provided, single submitter. Criteria: ACMG Guidelines, 2015. Collection method: clinical testing. Allele origin: maternal. Affected: yes.

GeneReviews
No classification provided. Condition: Arterial tortuosity syndrome. Review status: no classification provided. Collection method: literature only. Allele origin: germline. Affected: yes. Not counted in ClinVar's aggregate classification.

Literature cited by the submitters: PubMed 23494979 (cited by 4 submitters); PubMed 37619836 (cited by Ambry Genetics); PubMed 17935213 (cited by Labcorp Genetics (formerly Invitae), Labcorp); PubMed 22488877 (cited by Labcorp Genetics (formerly Invitae), Labcorp); NCBI Bookshelf NBK253404 (cited by GeneReviews).

NM_030777.4(SLC2A10):c.417T>A (p.Tyr139Ter)

Gene: SLC2A10 (solute carrier family 2 member 10; plus strand). Cytogenetic location: 20q13.12.
Variant type: single nucleotide variant.
Coding change: c.417T>A on transcript NM_030777.4 (MANE Select); coding-DNA position 417, T replaced by A.
Protein change: p.Tyr139Ter; replaces tyrosine 139 with a stop codon.
Molecular consequence: nonsense.
Genome position (GRCh38, 1-based): chr20:46,725,453, T>A. VCF-style: chr20-46725453-T-A. GRCh37 (hg19) VCF-style: chr20-45354092-T-A.
Other names: short protein forms Y139*.
Identifiers: ClinVar variation 161095 (VCV000161095.29), dbSNP rs572620317, ClinGen allele CA347716.